The following is an entry in ClinVar:

NM_206933.4(USH2A):c.5552delinsTT (p.Gln1851fs)

Genes: USH2A (usherin; minus strand), USH2A-AS2 (USH2A antisense RNA 2; plus strand). Cytogenetic location: 1q41.
Variant type: Indel.
Coding change: c.5552delinsTT on transcript NM_206933.4 (MANE Select); coding-DNA position 5552, A replaced by TT.
Protein change: p.Gln1851fs; shifts the reading frame from glutamine 1851.
Molecular consequence: frameshift variant.
Genome position (GRCh38, 1-based): chr1:216,078,109, T replaced by AA on the plus strand (A replaced by TT on the coding strand, the reverse complement: USH2A is on the minus strand). VCF-style: chr1-216078109-T-AA. GRCh37 (hg19) VCF-style: chr1-216251451-T-AA.
Other names: c.5552delinsTT (NM_206933.2); short protein forms Q1851fs.
Identifiers: ClinVar variation 2076814 (VCV002076814.6), dbSNP rs2527791968, ClinGen allele CA2580062121.
Genomic context (GRCh38, chr1:216,078,109, plus strand): 5'-GGGCTGTATGGATTTGTGAATTCCTCCAGATGGAACTTACCTTGTTCCAAACACAAATGT[T>AA]GATAAGAGTTCAGCAGTTCCTGTGGGATTCCTCCCACATAAACTGGTGAATTCACCACCA-3'

ClinVar aggregate classification (germline): Pathogenic/Likely pathogenic. Review status: criteria provided, multiple submitters, no conflicts (2 of 4 stars). 3 submissions from 3 submitters: Pathogenic (1); Likely pathogenic (2). Last evaluated 2025-04-10.

Conditions:
Retinitis pigmentosa 39 (RP39). Identifiers: Orphanet 791, MedGen C3151138, MONDO:0013436, OMIM 613809.
Usher syndrome type 2A. Also called: RETINAL DISEASE IN USHER SYNDROME TYPE IIA, MODIFIER OF; USHER SYNDROME, TYPE IIA. Identifiers: Orphanet 231178, Orphanet 886, MedGen C1848634, MONDO:0010169, OMIM 276901.

Submissions (3):

Natera, Inc.
Classification: Likely pathogenic for Usher syndrome type 2A. Last evaluated: 2025-04-10. Review status: criteria provided, single submitter. Criteria: Natera Variant Classification Schema (03/2026). Collection method: clinical testing. Allele origin: germline.
Comment: The c.5552delinsTT variant in USH2A is a frameshift variant predicted to shift the reading frame beginning at codon 1851 and leads to a stop codon 17 codons downstream. This variant is expected to result in nonsense mediated decay, truncation, or a dysfunctional protein product. This variant is rare in the general population with a frequency below the threshold expected for the associated phenotype(s). Given the available evidence, this variant is classified as Likely Pathogenic.

Baylor Genetics
Classification: Likely pathogenic for Retinitis pigmentosa 39. Last evaluated: 2023-02-09. Review status: criteria provided, single submitter. Criteria: ACMG Guidelines, 2015. Collection method: clinical testing. Allele origin: unknown.

Labcorp Genetics (formerly Invitae), Labcorp
Classification: Pathogenic. Last evaluated: 2022-08-15. Review status: criteria provided, single submitter. Criteria: Invitae Variant Classification Sherloc (09022015). Collection method: clinical testing. Allele origin: germline.
Comment: This sequence change creates a premature translational stop signal (p.Gln1851Leufs*17) in the USH2A gene. It is expected to result in an absent or disrupted protein product. Loss-of-function variants in USH2A are known to be pathogenic (PMID: 10729113, 10909849, 20507924, 25649381). This variant is present in population databases (no rsID available, gnomAD 0.007%). This variant has not been reported in the literature in individuals affected with USH2A-related conditions. For these reasons, this variant has been classified as Pathogenic.

Literature cited by the submitters: PubMed 10729113 (cited by Labcorp Genetics (formerly Invitae), Labcorp); PubMed 10909849 (cited by Labcorp Genetics (formerly Invitae), Labcorp); PubMed 20507924 (cited by Labcorp Genetics (formerly Invitae), Labcorp); PubMed 25649381 (cited by Labcorp Genetics (formerly Invitae), Labcorp).